The following is an entry in ClinVar:

ClinVar aggregate classification (germline): Likely benign (1 of 4 stars; one submission).

Conditions:
Hereditary breast ovarian cancer syndrome. Also called: Hereditary breast and ovarian cancer syndrome; Breast and ovarian cancer; Hereditary breast and ovarian cancer syndrome (HBOC); Hereditary breast and/or ovarian cancer syndrome; BRCA1- and BRCA2-Associated Hereditary Breast and Ovarian Cancer; Hereditary breast and ovarian cancer. Identifiers: Orphanet 145, MedGen C0677776, MeSH D061325, MONDO:0003582. Disease mechanism: loss of function.

Submissions (2):

Labcorp Genetics (formerly Invitae), Labcorp
Classification: Likely benign for Hereditary breast ovarian cancer syndrome. Last evaluated: 2024-01-20. Review status: criteria provided, single submitter. Criteria: Invitae Variant Classification Sherloc (09022015). Collection method: clinical testing. Allele origin: germline.

Brotman Baty Institute, University of Washington
No classification provided (evidence only). Condition: Breast-ovarian cancer, familial 1. Review status: no classification provided. Collection method: in vitro. Allele origin: not applicable. Functional consequence: functionally_normal. Not counted in ClinVar's aggregate classification.
ClinVar note: "not provided" was previously submitted as the classification for the variant. However, the classification appeared to be based only on an observation of functional data so it was converted to no classification on 2025-07-30.

NM_007294.4(BRCA1):c.301+9T>C

Gene: BRCA1 (BRCA1 DNA repair associated; minus strand). Cytogenetic location: 17q21.31.
Variant type: single nucleotide variant.
Coding change: c.301+9T>C on transcript NM_007294.4 (MANE Select); 9 bases into the intron after coding-DNA position 301, T replaced by C.
Molecular consequence: intron variant.
Genome position (GRCh38, 1-based): chr17:43,104,859, A>G on the plus strand (T>C on the coding strand, the complement: BRCA1 is on the minus strand). VCF-style: chr17-43104859-A-G. GRCh37 (hg19) VCF-style: chr17-41256876-A-G.
Other names: c.292+18T>C (NM_001407647.1, NM_001407646.1, NM_001408408.1); c.301+9T>C (NM_001408446.1, NM_001408435.1, NM_001407691.1 and 164 more transcripts); c.91+9T>C (NM_001408492.1, NM_001407889.1, NM_001408513.1 and 58 more transcripts); c.160+9T>C (NM_001408468.1, NM_001407842.1, NM_001407749.1 and 99 more transcripts); c.-218-9999T>C (NM_001407966.1, NM_001407967.1); c.-81+9T>C (NM_001407963.1, NM_001407960.1, NM_001407965.1 and 4 more transcripts); c.223+9T>C (NM_001408413.1, NM_001407660.1, NM_001407661.1 and 21 more transcripts); c.169+9T>C (NM_001408451.1).
Identifiers: ClinVar variation 415597 (VCV000415597.12), dbSNP rs1060504587, ClinGen allele CA16615440.
Genomic context (GRCh38, chr17:43,104,859, plus strand): 5'-AATTGTGCAAACTTCCTGAGTTTTCATGGACAGCACTTGAGTGTCATTCTTGGGATATTC[A>G]ACACTTACACTCCAAACCTGTGTCAAGCTGAAAAGCACAAATGATTTTCAATAGCTCTTC-3'